The following is an entry in ClinVar:

NM_007272.3(CTRC):c.236C>T (p.Thr79Ile)

Gene: CTRC (chymotrypsin C; plus strand). Cytogenetic location: 1p36.21.
Variant type: single nucleotide variant.
Coding change: c.236C>T on transcript NM_007272.3 (MANE Select); coding-DNA position 236, C replaced by T.
Protein change: p.Thr79Ile; replaces threonine 79 with isoleucine.
Molecular consequence: missense variant.
Genome position (GRCh38, 1-based): chr1:15,442,452, C>T. VCF-style: chr1-15442452-C-T. GRCh37 (hg19) VCF-style: chr1-15768948-C-T.
Other names: short protein forms T79I.
Identifiers: ClinVar variation 5035043 (VCV005035043.1).

ClinVar aggregate classification (germline): Uncertain significance (1 of 4 stars; one submission).

Conditions:
Hereditary pancreatitis (PCTT). Also called: Hereditary chronic pancreatitis; PRSS1-Related Hereditary Pancreatitis. Identifiers: Orphanet 676, MedGen C0238339, MONDO:0008185, OMIM 167800.

Submission:

Ambry Genetics
Classification: Uncertain significance for Hereditary pancreatitis. Last evaluated: 2026-07-07. Review status: criteria provided, single submitter. Criteria: Ambry Variant Classification Scheme 2023. Collection method: clinical testing. Allele origin: germline.
Comment: The p.T79I variant (also known as c.236C>T), located in coding exon 4 of the CTRC gene, results from a C to T substitution at nucleotide position 236. The threonine at codon 79 is replaced by isoleucine, an amino acid with similar properties. This amino acid position is conserved. In addition, this alteration is predicted to be tolerated by in silico analysis. Based on the available evidence, the clinical significance of this variant remains unclear.